The following is an entry in ClinVar:

ClinVar aggregate classification (germline): Uncertain significance. Review status: criteria provided, multiple submitters, no conflicts (2 of 4 stars). 3 submissions from 3 submitters: Uncertain significance (3). Last evaluated 2025-11-11.

Conditions:
TTN-related disorder. Also called: TTN-related disorders; TTN-related condition; TTN-related disease.

Allele frequency attached by ClinVar (database versions not stated): gnomAD exomes 0.00001 and 0.00002; ExAC 0.00002; gnomAD 0.00002 and 0.00003; TOPMed 0.00003; 1000 Genomes Project 30x 0.00016; 1000 Genomes Project 0.00020.
gnomAD v4.1: 16 of 1,612,844 alleles (0.00099%); highest among the groups gnomAD compares: Middle Eastern, 0.017%; no homozygotes.

Submissions (3):

PreventionGenetics, part of Exact Sciences
Classification: Uncertain significance for TTN-related condition. Last evaluated: 2025-11-11. Review status: criteria provided, single submitter. Criteria: ACMG Guidelines, 2015. Collection method: clinical testing. Allele origin: germline.
Comment: The TTN c.55562T>C variant is predicted to result in the amino acid substitution p.Ile18521Thr. To our knowledge, this variant has not been reported in the literature. This variant is reported in 0.0065% of alleles in individuals of African descent in gnomAD. At this time, the clinical significance of this variant is uncertain due to the absence of conclusive functional and genetic evidence.

Women's Health and Genetics/Laboratory Corporation of America, LabCorp
Classification: Uncertain significance. Last evaluated: 2025-06-12. Review status: criteria provided, single submitter. Criteria: LabCorp Variant Classification Summary - May 2015. Collection method: clinical testing. Allele origin: germline.

GeneDx
Classification: Uncertain significance. Last evaluated: 2020-12-31. Review status: criteria provided, single submitter. Criteria: GeneDx Variant Classification Process June 2021. Collection method: clinical testing. Allele origin: germline. Affected: yes.
Comment: Not observed at a significant frequency in large population cohorts (Lek et al., 2016); Missense variant in a gene in which most reported pathogenic variants are truncating/loss-of-function; Has not been previously published as pathogenic or benign to our knowledge

NM_001267550.2(TTN):c.55562T>C (p.Ile18521Thr)

Genes: TTN (titin; minus strand), TTN-AS1 (TTN antisense RNA 1; plus strand). Cytogenetic location: 2q31.2.
Variant type: single nucleotide variant.
Coding change: c.55562T>C on transcript NM_001267550.2 (MANE Select); coding-DNA position 55562, T replaced by C.
Protein change: p.Ile18521Thr; replaces isoleucine 18521 with threonine.
Molecular consequence: missense variant.
Genome position (GRCh38, 1-based): chr2:178,601,435, A>G on the plus strand (T>C on the coding strand, the complement: TTN is on the minus strand). VCF-style: chr2-178601435-A-G. GRCh37 (hg19) VCF-style: chr2-179466162-A-G.
Other names: c.28367T>C, p.Ile9456Thr (NM_003319.4); c.47858T>C, p.Ile15953Thr (NM_133378.4); c.28742T>C, p.Ile9581Thr (NM_133432.3); c.28943T>C, p.Ile9648Thr (NM_133437.4); c.50639T>C, p.Ile16880Thr (NM_001256850.1); short protein forms I15953T, I16880T, I18521T, I9456T, I9581T, I9648T.
Identifiers: ClinVar variation 1189501 (VCV001189501.4), dbSNP rs538872534, ClinGen allele CA1993432.